The following is an entry in ClinVar:

NM_152381.6(XIRP2):c.2678T>C (p.Ile893Thr)

Gene: XIRP2 (xin actin binding repeat containing 2; plus strand). Cytogenetic location: 2q24.3.
Variant type: single nucleotide variant.
Coding change: c.2678T>C on transcript NM_152381.6 (MANE Select); coding-DNA position 2678, T replaced by C.
Protein change: p.Ile893Thr; replaces isoleucine 893 with threonine.
Molecular consequence: missense variant. On other transcripts: intron variant (3).
Genome position (GRCh38, 1-based): chr2:167,244,070, T>C. VCF-style: chr2-167244070-T-C. GRCh37 (hg19) VCF-style: chr2-168100580-T-C.
Other names: c.2012T>C, p.Ile671Thr (NM_001199144.2); c.1275+2160T>C (NM_001199143.2); c.1176+2160T>C (NM_001079810.4); c.510+2160T>C (NM_001199145.2); short protein forms I671T, I893T.
Identifiers: ClinVar variation 2672832 (VCV002672832.23), dbSNP rs2468284656, ClinGen allele CA349089463.
Genomic context (GRCh38, chr2:167,244,070, plus strand): 5'-AAACTACTAAGCATCTATTTGAAACACTTCCAATTGAAGCATTAAAAGACAGTCCTGATA[T>C]AGGAAAGCTTCAAAAAATCACTGCCTCTGAAGAAGAAAAAGGGGATGTTAGGCATCAAAA-3'
Protein context (NP_689594.4, residues 883-903): PIEALKDSPD[Ile893Thr]GKLQKITASE

ClinVar aggregate classification (germline): Uncertain significance (1 of 4 stars; one submission).

gnomAD v4.1: 2 of 1,613,776 alleles (0.00012%); highest among the groups gnomAD compares: Non-Finnish European, 0.00017%; no homozygotes.

Submission:

CeGaT Center for Human Genetics Tuebingen
Classification: Uncertain significance. Last evaluated: 2023-11-01. Review status: criteria provided, single submitter. Criteria: CeGaT Center For Human Genetics Tuebingen Variant Classification Criteria Version 2. Collection method: clinical testing. Allele origin: germline. Affected: yes. Observed: 1 variant allele.
Comment: XIRP2: PM2, BP4